The following is an entry in ClinVar:

ClinVar aggregate classification (germline): Uncertain significance (1 of 4 stars; one submission).

Conditions:
Mitochondrial complex II deficiency, nuclear type 1. Also called: SUCCINATE CoQ REDUCTASE DEFICIENCY. Identifiers: Orphanet 3208, MedGen C5700310, MONDO:0100294, OMIM 252011.
Pheochromocytoma/paraganglioma syndrome 5. Also called: Paragangliomas 5; SDHA-Related Hereditary Paraganglioma-Pheochromocytoma Syndrome. Identifiers: Orphanet 29072, MedGen C3279992, MONDO:0013602, OMIM 614165.

Submission:

Labcorp Genetics (formerly Invitae), Labcorp
Classification: Uncertain significance for Pheochromocytoma/paraganglioma syndrome 5; Mitochondrial complex II deficiency, nuclear type 1. Last evaluated: 2024-05-11. Review status: criteria provided, single submitter. Criteria: Invitae Variant Classification Sherloc (09022015). Collection method: clinical testing. Allele origin: germline.
Comment: This sequence change replaces glutamic acid, which is acidic and polar, with aspartic acid, which is acidic and polar, at codon 82 of the SDHA protein (p.Glu82Asp). This variant is not present in population databases (gnomAD no frequency). This variant has not been reported in the literature in individuals affected with SDHA-related conditions. Advanced modeling of protein sequence and biophysical properties (such as structural, functional, and spatial information, amino acid conservation, physicochemical variation, residue mobility, and thermodynamic stability) performed at Invitae indicates that this missense variant is not expected to disrupt SDHA protein function with a negative predictive value of 95%. In summary, the available evidence is currently insufficient to determine the role of this variant in disease. Therefore, it has been classified as a Variant of Uncertain Significance.

NM_004168.4(SDHA):c.246G>C (p.Glu82Asp)

Gene: SDHA (succinate dehydrogenase complex flavoprotein subunit A; plus strand). Cytogenetic location: 5p15.33.
Variant type: single nucleotide variant.
Coding change: c.246G>C on transcript NM_004168.4 (MANE Select); coding-DNA position 246, G replaced by C.
Protein change: p.Glu82Asp; replaces glutamic acid 82 with aspartic acid.
Molecular consequence: missense variant.
Genome position (GRCh38, 1-based): chr5:224,455, G>C. VCF-style: chr5-224455-G-C. GRCh37 (hg19) VCF-style: chr5-224570-G-C.
Other names: c.246G>C, p.Glu82Asp (NM_001294332.2, NM_001330758.2); short protein forms E82D.
Identifiers: ClinVar variation 3763419 (VCV003763419.2).
Genomic context (GRCh38, chr5:224,455, plus strand): 5'-TGATGCAGTGGTGGTAGGCGCTGGAGGGGCAGGCTTGCGAGCTGCATTTGGCCTTTCTGA[G>C]GCAGGGTTTAATACAGCATGTGTTACCAAGCTGTTTCCTACCAGGTCACACACTGTTGCA-3'
Protein context (NP_004159.2, residues 72-92): AGLRAAFGLS[Glu82Asp]AGFNTACVTK